The following is an entry in ClinVar:

NM_005585.5(SMAD6):c.169C>T (p.Arg57Cys)

Gene: SMAD6 (SMAD family member 6; plus strand). Cytogenetic location: 15q22.31.
Variant type: single nucleotide variant.
Coding change: c.169C>T on transcript NM_005585.5 (MANE Select); coding-DNA position 169, C replaced by T.
Protein change: p.Arg57Cys; replaces arginine 57 with cysteine.
Molecular consequence: missense variant. On other transcripts: non-coding transcript variant (1).
Genome position (GRCh38, 1-based): chr15:66,703,427, C>T. VCF-style: chr15-66703427-C-T. GRCh37 (hg19) VCF-style: chr15-66995765-C-T.
Other names: short protein forms R57C.
Identifiers: ClinVar variation 3798829 (VCV003798829.1).
Genomic context (GRCh38, chr15:66,703,427, plus strand): 5'-GGGAGCTTGGGCAGCCGAGCTGAGCCGGCCCCGCGGGCAAGAGAGGGCGGAGGCTGCGGC[C>T]GCTCCGAAGTCCGCCCGGTAGCCCCGCGGCGGCCCCGGGACGCAGTGGGACAGCGAGGCG-3'
Protein context (NP_005576.3, residues 47-67): PRAREGGGCG[Arg57Cys]SEVRPVAPRR

ClinVar aggregate classification (germline): Uncertain significance (1 of 4 stars; one submission).

Conditions:
Inborn genetic diseases. Identifiers: MedGen C0950123, MeSH D030342.

Submission:

Ambry Genetics
Classification: Uncertain significance for Inborn genetic diseases. Last evaluated: 2025-01-27. Review status: criteria provided, single submitter. Criteria: Ambry Variant Classification Scheme 2023. Collection method: clinical testing. Allele origin: germline.
Comment: The p.R57C variant (also known as c.169C>T), located in coding exon 1 of the SMAD6 gene, results from a C to T substitution at nucleotide position 169. The arginine at codon 57 is replaced by cysteine, an amino acid with highly dissimilar properties. This amino acid position is conserved. In addition, this alteration is predicted to be tolerated by in silico analysis. Based on the available evidence, the clinical significance of this variant remains unclear.